The following is an entry in ClinVar:

ClinVar aggregate classification (germline): Uncertain significance. Review status: criteria provided, multiple submitters, no conflicts (2 of 4 stars). 2 submissions from 2 submitters: Uncertain significance (2). Last evaluated 2024-07-02.

Conditions:
Inborn genetic diseases. Identifiers: MedGen C0950123, MeSH D030342.
Autosomal dominant Parkinson disease 8. Also called: LRRK2-Related Parkinson Disease; Parkinson disease 8; Parkinson disease 8, susceptibility to. Identifiers: Orphanet 411602, MedGen C1846862, MONDO:0011764, OMIM 607060.

Allele frequency attached by ClinVar (database versions not stated): gnomAD exomes below 0.00001.
gnomAD v4.1: 4 of 1,614,100 alleles (0.00025%); highest among the groups gnomAD compares: Non-Finnish European, 0.00034%; no homozygotes.

Submissions (2):

Ambry Genetics
Classification: Uncertain significance for Inborn genetic diseases. Last evaluated: 2024-07-02. Review status: criteria provided, single submitter. Criteria: Ambry Variant Classification Scheme 2023. Collection method: clinical testing. Allele origin: germline.
Comment: The p.R715T variant (also known as c.2144G>C), located in coding exon 18 of the LRRK2 gene, results from a G to C substitution at nucleotide position 2144. The arginine at codon 715 is replaced by threonine, an amino acid with similar properties. This amino acid position is conserved. In addition, the in silico prediction for this alteration is inconclusive. Since supporting evidence is limited at this time, the clinical significance of this alteration remains unclear.

Labcorp Genetics (formerly Invitae), Labcorp
Classification: Uncertain significance for Autosomal dominant Parkinson disease 8. Last evaluated: 2023-08-27. Review status: criteria provided, single submitter. Criteria: Invitae Variant Classification Sherloc (09022015). Collection method: clinical testing. Allele origin: germline.
Comment: This variant is not present in population databases (gnomAD no frequency). This variant has not been reported in the literature in individuals affected with LRRK2-related conditions. ClinVar contains an entry for this variant (Variation ID: 1786634). Advanced modeling of protein sequence and biophysical properties (such as structural, functional, and spatial information, amino acid conservation, physicochemical variation, residue mobility, and thermodynamic stability) has been performed at Invitae for this missense variant, however the output from this modeling did not meet the statistical confidence thresholds required to predict the impact of this variant on LRRK2 protein function. In summary, the available evidence is currently insufficient to determine the role of this variant in disease. Therefore, it has been classified as a Variant of Uncertain Significance. This sequence change replaces arginine, which is basic and polar, with threonine, which is neutral and polar, at codon 715 of the LRRK2 protein (p.Arg715Thr).

NM_198578.4(LRRK2):c.2144G>C (p.Arg715Thr)

Gene: LRRK2 (leucine rich repeat kinase 2; plus strand). Cytogenetic location: 12q12.
Variant type: single nucleotide variant.
Coding change: c.2144G>C on transcript NM_198578.4 (MANE Select); coding-DNA position 2144, G replaced by C.
Protein change: p.Arg715Thr; replaces arginine 715 with threonine.
Molecular consequence: missense variant.
Genome position (GRCh38, 1-based): chr12:40,278,164, G>C. VCF-style: chr12-40278164-G-C. GRCh37 (hg19) VCF-style: chr12-40671966-G-C.
Other names: short protein forms R715T.
Identifiers: ClinVar variation 1786634 (VCV001786634.6), dbSNP rs1049838572, ClinGen allele CA384405124.
Genomic context (GRCh38, chr12:40,278,164, plus strand): 5'-GTTGCAAGTGTTTTGCAAAAGTAGCTATGGATGATTACTTAAAAAATGTGATGCTAGAGA[G>C]AGCGTGTGATCAGAATAACAGCATCATGGTTGAATGCTTGCTTCTATTGGGAGCAGATGC-3'
Protein context (NP_940980.4, residues 705-725): DDYLKNVMLE[Arg715Thr]ACDQNNSIMV